The following is an entry in ClinVar:

NM_000061.3(BTK):c.278C>A (p.Ser93Ter)

Gene: BTK (Bruton tyrosine kinase; minus strand). Cytogenetic location: Xq22.1.
Variant type: single nucleotide variant.
Coding change: c.278C>A on transcript NM_000061.3 (MANE Select); coding-DNA position 278, C replaced by A.
Protein change: p.Ser93Ter; replaces serine 93 with a stop codon.
Molecular consequence: nonsense.
Genome position (GRCh38, 1-based): chrX:101,371,664, G>T on the plus strand (C>A on the coding strand, the complement: BTK is on the minus strand). VCF-style: chrX-101371664-G-T. GRCh37 (hg19) VCF-style: chrX-100626652-G-T.
Other names: c.380C>A, p.Ser127Ter (NM_001287344.2); c.278C>A, p.Ser93Ter (NM_001287345.2); short protein forms S93*, S127*.
Identifiers: ClinVar variation 580394 (VCV000580394.9), dbSNP rs1569295678, ClinGen allele CA413938098.
Genomic context (GRCh38, chrX:101,371,664, plus strand): 5'-TCGAGATTTGGTGAGAGAAAATAACTCACCTGGAAGGGATAAGGGAACCTTTCAATGATT[G>T]AAATTTGCTCCATTTCACTGGACTCTTCACCTCTTCTCTGTAATGAAATAAGAAAAAATG-3'

ClinVar aggregate classification (germline): Pathogenic (1 of 4 stars; one submission).

Conditions:
X-linked agammaglobulinemia with growth hormone deficiency (IGHD3). Also called: AGAMMAGLOBULINEMIA AND ISOLATED GROWTH HORMONE DEFICIENCY, X-LINKED; FLEISHER SYNDROME; HYPOGAMMAGLOBULINEMIA AND ISOLATED GROWTH HORMONE DEFICIENCY, X-LINKED; IGHD III; Growth hormone deficiency with hypogammaglobulinemia; Isolated growth hormone deficiency type 3. Identifiers: Orphanet 231692, Orphanet 631, MedGen C0472813, MONDO:0010615, OMIM 307200.

Submission:

Labcorp Genetics (formerly Invitae), Labcorp
Classification: Pathogenic for X-linked agammaglobulinemia with growth hormone deficiency. Last evaluated: 2019-06-26. Review status: criteria provided, single submitter. Criteria: Invitae Variant Classification Sherloc (09022015). Collection method: clinical testing. Allele origin: germline.
Comment: For these reasons, this variant has been classified as Pathogenic. Loss-of-function variants in BTK are known to be pathogenic (PMID: 15661032, 16862044, 19419768). This variant has not been reported in the literature in individuals with BTK-related disease. This variant is not present in population databases (ExAC no frequency). This sequence change creates a premature translational stop signal (p.Ser93*) in the BTK gene. It is expected to result in an absent or disrupted protein product.

Literature cited by the submitters: PubMed 15661032; PubMed 16862044; PubMed 19419768.